The following is an entry in ClinVar:

NM_007294.4(BRCA1):c.34C>G (p.Gln12Glu)

Gene: BRCA1 (BRCA1 DNA repair associated; minus strand). Cytogenetic location: 17q21.31.
Variant type: single nucleotide variant.
Coding change: c.34C>G on transcript NM_007294.4 (MANE Select); coding-DNA position 34, C replaced by G.
Protein change: p.Gln12Glu; replaces glutamine 12 with glutamic acid.
Molecular consequence: missense variant. On other transcripts: 5 prime UTR variant (1), non-coding transcript variant (1).
Genome position (GRCh38, 1-based): chr17:43,124,063, G>C on the plus strand (C>G on the coding strand, the complement: BRCA1 is on the minus strand). VCF-style: chr17-43124063-G-C. GRCh37 (hg19) VCF-style: chr17-41276080-G-C.
Other names: c.34C>G, p.Gln12Glu (NM_001408396.1, NM_001408397.1, NM_001408398.1 and 193 more transcripts); c.-227C>G (NM_001408410.1, NM_001408452.1, NM_001408462.1 and 22 more transcripts); c.-54C>G (NM_001408454.1, NM_001408459.1, NM_001408460.1 and 23 more transcripts); c.-224C>G (NM_001408455.1, NM_001408456.1, NM_001408468.1 and 11 more transcripts); c.-228C>G (NM_001408465.1, NM_001407695.1); c.-155C>G (NM_001408478.1, NM_001408479.1, NM_001408480.1 and 46 more transcripts); c.-300C>G (NM_001408482.1); c.-271C>G (NM_001408492.1, NM_001407889.1); and 8 more; short protein forms Q12E.
Identifiers: ClinVar variation 647021 (VCV000647021.13), dbSNP rs80357134, ClinGen allele CA10602094.

ClinVar aggregate classification (germline): Conflicting classifications of pathogenicity. Review status: criteria provided, conflicting classifications (1 of 4 stars). 2 submissions from 2 submitters: Uncertain significance (1); Likely benign (1). Last evaluated 2025-09-08.

Conditions:
Hereditary breast ovarian cancer syndrome. Also called: Hereditary breast and ovarian cancer syndrome (HBOC); Hereditary breast and ovarian cancer; BRCA1- and BRCA2-Associated Hereditary Breast and Ovarian Cancer; Breast and ovarian cancer; Hereditary breast and ovarian cancer syndrome; Hereditary breast and/or ovarian cancer syndrome. Identifiers: Orphanet 145, MedGen C0677776, MeSH D061325, MONDO:0003582. Disease mechanism: loss of function.
Hereditary cancer-predisposing syndrome. Also called: Hereditary neoplastic syndrome; Tumor predisposition; Hereditary Cancer Syndrome; Neoplastic Syndromes, Hereditary. Identifiers: Orphanet 140162, MedGen C0027672, MeSH D009386, MONDO:0015356.

Submissions (3):

Ambry Genetics
Classification: Likely benign for Hereditary cancer-predisposing syndrome. Last evaluated: 2025-09-08. Review status: criteria provided, single submitter. Criteria: Ambry Variant Classification Scheme 2023. Collection method: clinical testing. Allele origin: germline.

Labcorp Genetics (formerly Invitae), Labcorp
Classification: Uncertain significance for Hereditary breast ovarian cancer syndrome. Last evaluated: 2018-09-06. Review status: criteria provided, single submitter. Criteria: Invitae Variant Classification Sherloc (09022015). Collection method: clinical testing. Allele origin: germline.
Comment: This sequence change replaces glutamine with glutamic acid at codon 12 of the BRCA1 protein (p.Gln12Glu). The glutamine residue is moderately conserved and there is a small physicochemical difference between glutamine and glutamic acid. In summary, the available evidence is currently insufficient to determine the role of this variant in disease. Therefore, it has been classified as a Variant of Uncertain Significance. Algorithms developed to predict the effect of missense changes on protein structure and function are either unavailable or do not agree on the potential impact of this missense change (SIFT: "Tolerated"; PolyPhen-2: "Probably Damaging"; Align-GVGD: "Class C0"). This variant has been reported in individuals in the Leiden Open-source Variation Database (PMID: 21520333). This variant is not present in population databases (ExAC no frequency).

Brotman Baty Institute, University of Washington
No classification provided (evidence only). Condition: Breast-ovarian cancer, familial 1. Review status: no classification provided. Collection method: in vitro. Allele origin: not applicable. Functional consequence: functionally_normal. Not counted in ClinVar's aggregate classification.
ClinVar note: "not provided" was previously submitted as the classification for the variant. However, the classification appeared to be based only on an observation of functional data so it was converted to no classification on 2025-07-30.

Literature cited by the submitters: PubMed 30209399 (cited by Ambry Genetics); PubMed 21520333 (cited by Labcorp Genetics (formerly Invitae), Labcorp).